The following is an entry in ClinVar:

NM_006260.5(DNAJC3):c.571C>T (p.Arg191Trp)

Gene: DNAJC3 (DnaJ heat shock protein family (Hsp40) member C3; plus strand). Cytogenetic location: 13q32.1.
Variant type: single nucleotide variant.
Coding change: c.571C>T on transcript NM_006260.5 (MANE Select); coding-DNA position 571, C replaced by T.
Protein change: p.Arg191Trp; replaces arginine 191 with tryptophan.
Molecular consequence: missense variant.
Genome position (GRCh38, 1-based): chr13:95,760,064, C>T. VCF-style: chr13-95760064-C-T. GRCh37 (hg19) VCF-style: chr13-96412318-C-T.
Other names: p.Arg191Trp; short protein forms R191W.
Identifiers: ClinVar variation 3380163 (VCV003380163.1).

ClinVar aggregate classification (germline): Uncertain significance (1 of 4 stars; one submission).

gnomAD v4.1: 14 of 1,604,744 alleles (0.00087%); highest among the groups gnomAD compares: Middle Eastern, 0.083%; no homozygotes.

Submission:

Mayo Clinic Laboratories, Mayo Clinic
Classification: Uncertain significance. Last evaluated: 2024-09-23. Review status: criteria provided, single submitter. Criteria: ACMG Guidelines, 2015. Collection method: clinical testing. Allele origin: germline. Observed: 1 variant allele.
Comment: PM2